The following is an entry in ClinVar:

NM_007294.4(BRCA1):c.2385A>T (p.Lys795Asn)

Gene: BRCA1 (BRCA1 DNA repair associated; minus strand). Cytogenetic location: 17q21.31.
Variant type: single nucleotide variant.
Coding change: c.2385A>T on transcript NM_007294.4 (MANE Select); coding-DNA position 2385, A replaced by T.
Protein change: p.Lys795Asn; replaces lysine 795 with asparagine.
Molecular consequence: missense variant. On other transcripts: intron variant (137).
Genome position (GRCh38, 1-based): chr17:43,093,146, T>A on the plus strand (A>T on the coding strand, the complement: BRCA1 is on the minus strand). VCF-style: chr17-43093146-T-A. GRCh37 (hg19) VCF-style: chr17-41245163-T-A.
Other names: c.2382A>T, p.Lys794Asn (NM_001407632.1, NM_001407633.1, NM_001407634.1 and 22 more transcripts); c.2385A>T, p.Lys795Asn (NM_001407639.1, NM_001407640.1, NM_001407641.1 and 30 more transcripts); c.2307A>T, p.Lys769Asn (NM_001407654.1, NM_001407655.1, NM_001407656.1 and 4 more transcripts); c.2304A>T, p.Lys768Asn (NM_001407659.1, NM_001407660.1, NM_001407661.1 and 1 more transcripts); c.2376A>T, p.Lys792Asn (NM_001407646.1, NM_001407647.1); c.2262A>T, p.Lys754Asn (NM_001407648.1, NM_001407664.1, NM_001407665.1 and 19 more transcripts); c.2259A>T, p.Lys753Asn (NM_001407649.1, NM_001407670.1, NM_001407671.1 and 11 more transcripts); c.2244A>T, p.Lys748Asn (NM_001407728.1, NM_001407729.1, NM_001407730.1 and 29 more transcripts); and 41 more; short protein forms K499N, K627N, K667N, K668N, K683N, K684N, K706N, K707N.
Identifiers: ClinVar variation 4856583 (VCV004856583.1).

ClinVar aggregate classification (germline): Likely benign (1 of 4 stars; one submission).

Conditions:
Breast-ovarian cancer, familial, susceptibility to, 1 (BROVCA1). Also called: OVARIAN CANCER, SUSCEPTIBILITY TO; BRCA1 Hereditary Breast and Ovarian Cancer. Identifiers: Orphanet 145, MedGen C2676676, MONDO:0011450, OMIM 604370. Disease mechanism: loss of function.

gnomAD v4.1: 1 of 1,613,682 alleles (0.000062%); highest among the groups gnomAD compares: Non-Finnish European, 0.000085%; no homozygotes.

Submission:

Cancer Bioinformatics and Tumour Evolution Laboratory, Monash University
Classification: Likely benign for Breast-ovarian cancer, familial, susceptibility to, 1. Last evaluated: 2026-05-01. Review status: criteria provided, single submitter. Criteria: ClinGen BRCA1 and BRCA2 Guidelines, 2024. Collection method: curation. Allele origin: germline. Inheritance: Autosomal dominant inheritance.
Comment: Missense variant outside of a functional domain with no splice impact. BRCA1 and BRCA2 VCEP guidelines recommend application of BP1_Strong (PMID: 39142283)